The following is an entry in ClinVar:

NM_005732.4(RAD50):c.2594G>C (p.Ser865Thr)

Gene: RAD50 (RAD50 double strand break repair protein; plus strand). Cytogenetic location: 5q31.1.
Variant type: single nucleotide variant.
Coding change: c.2594G>C on transcript NM_005732.4 (MANE Select); coding-DNA position 2594, G replaced by C.
Protein change: p.Ser865Thr; replaces serine 865 with threonine.
Molecular consequence: missense variant.
Genome position (GRCh38, 1-based): chr5:132,604,875, G>C. VCF-style: chr5-132604875-G-C. GRCh37 (hg19) VCF-style: chr5-131940567-G-C.
Other names: short protein forms S865T.
Identifiers: ClinVar variation 3429496 (VCV003429496.1).

ClinVar aggregate classification (germline): Uncertain significance (1 of 4 stars; one submission).

Conditions:
Hereditary cancer-predisposing syndrome. Also called: Neoplastic Syndromes, Hereditary; Tumor predisposition; Hereditary Cancer Syndrome; Hereditary neoplastic syndrome. Identifiers: Orphanet 140162, MedGen C0027672, MeSH D009386, MONDO:0015356.

Submission:

Ambry Genetics
Classification: Uncertain significance for Hereditary cancer-predisposing syndrome. Last evaluated: 2024-09-09. Review status: criteria provided, single submitter. Criteria: Ambry Variant Classification Scheme 2023. Collection method: clinical testing. Allele origin: germline.
Comment: The p.S865T variant (also known as c.2594G>C), located in coding exon 16 of the RAD50 gene, results from a G to C substitution at nucleotide position 2594. The serine at codon 865 is replaced by threonine, an amino acid with similar properties. This amino acid position is conserved. In addition, the in silico prediction for this alteration is inconclusive. Based on the available evidence, the clinical significance of this variant remains unclear.